The following is an entry in ClinVar:

ClinVar aggregate classification (germline): Pathogenic/Likely pathogenic. Review status: criteria provided, multiple submitters, no conflicts (2 of 4 stars). 3 submissions from 3 submitters: Pathogenic (2); Likely pathogenic (1). Last evaluated 2025-10-13.

Conditions:
Lisch epithelial corneal dystrophy (LECD). Also called: BAND-SHAPED AND WHORLED MICROCYSTIC CORNEAL EPITHELIAL DYSTROPHY. Identifiers: Orphanet 98955, MedGen C2749050, MONDO:0010425, OMIM 620763.
Mucolipidosis type IV (ML4). Also called: ML IV. Identifiers: Orphanet 578, MedGen C0238286, MONDO:0009653, OMIM 252650.

Allele frequency attached by ClinVar (database versions not stated): gnomAD exomes below 0.00001.

Submissions (3):

Natera, Inc.
Classification: Likely pathogenic for Mucolipidosis type IV. Last evaluated: 2025-10-13. Review status: criteria provided, single submitter. Criteria: Natera Variant Classification Schema (03/2026). Collection method: clinical testing. Allele origin: germline.
Comment: The c.871C>T variant in MCOLN1 is a nonsense variant predicted to introduce a stop codon at amino acid 291. This variant is expected to result in nonsense mediated decay, truncation, or a dysfunctional protein product. This variant is rare in the general population with a frequency below the threshold expected for the associated phenotype(s). Given the available evidence, this variant is classified as Likely Pathogenic.

Variantyx, Inc.
Classification: Pathogenic for Lisch epithelial corneal dystrophy. Last evaluated: 2025-10-09. Review status: criteria provided, single submitter. Criteria: Variantyx Assertion Criteria 2022. Collection method: clinical testing. Allele origin: germline. Inheritance: Autosomal dominant inheritance. Affected: no.
Comment: This is a nonsense variant in the MCOLN1 gene (OMIM: 605248). Pathogenic variants in this gene have been associated with autosomal dominant Lisch epithelial corneal dystrophy. This variant introduces a premature termination codon in exon 7 out of 14 and is expected to result in loss of function, which is a known disease mechanism for MCOLN1 in this disorder (PMID: 37972748) (PVS1). This variant has been reported in at least one affected individuals (PMID: 37972748) (PS4). It has a 0.0001% maximum allele frequency in non-founder control populations (PM2). Based on the current evidence, this variant is classified as pathogenic for autosomal dominant Lisch epithelial corneal dystrophy.

Labcorp Genetics (formerly Invitae), Labcorp
Classification: Pathogenic for Mucolipidosis type IV. Last evaluated: 2024-02-22. Review status: criteria provided, single submitter. Criteria: Invitae Variant Classification Sherloc (09022015). Collection method: clinical testing. Allele origin: germline.
Comment: This sequence change creates a premature translational stop signal (p.Gln291*) in the MCOLN1 gene. It is expected to result in an absent or disrupted protein product. Loss-of-function variants in MCOLN1 are known to be pathogenic (PMID: 11030752, 11317355, 37972748). This variant is not present in population databases (gnomAD no frequency). This variant has not been reported in the literature in individuals affected with MCOLN1-related conditions. ClinVar contains an entry for this variant (Variation ID: 2199422). Algorithms developed to predict the effect of sequence changes on RNA splicing suggest that this variant may create or strengthen a splice site. For these reasons, this variant has been classified as Pathogenic.

Literature cited by the submitters: PubMed 37972748 (cited by Variantyx, Inc. and Labcorp Genetics (formerly Invitae), Labcorp); PubMed 11030752 (cited by Labcorp Genetics (formerly Invitae), Labcorp); PubMed 11317355 (cited by Labcorp Genetics (formerly Invitae), Labcorp).

NM_020533.3(MCOLN1):c.871C>T (p.Gln291Ter)

Gene: MCOLN1 (mucolipin TRP cation channel 1; plus strand). Cytogenetic location: 19p13.2.
Variant type: single nucleotide variant.
Coding change: c.871C>T on transcript NM_020533.3 (MANE Select); coding-DNA position 871, C replaced by T.
Protein change: p.Gln291Ter; replaces glutamine 291 with a stop codon.
Molecular consequence: nonsense.
Genome position (GRCh38, 1-based): chr19:7,528,251, C>T. VCF-style: chr19-7528251-C-T. GRCh37 (hg19) VCF-style: chr19-7593137-C-T.
Other names: c.871C>T (NM_020533.2); short protein forms Q291*.
Identifiers: ClinVar variation 2199422 (VCV002199422.6), dbSNP rs1294526096, ClinGen allele CA403084976.
Genomic context (GRCh38, chr19:7,528,251, plus strand): 5'-ATCCCCATCAGCCTGGAGACCCAGGCCCACATCCAGGAGTGTAAGCACCCCAGTGTCTTC[C>T]AGCACGGTGAGCCCCTGAGCCCCAGACCAGCACTGACCAGGGGCCCTGGCCTGTCCTGGG-3'